The following is an entry in ClinVar:

NM_022124.6(CDH23):c.4518dup (p.Arg1507fs)

Gene: CDH23 (cadherin related 23; plus strand). Cytogenetic location: 10q22.1.
Variant type: Duplication.
Coding change: c.4518dup on transcript NM_022124.6 (MANE Select); coding-DNA position 4518, one base duplicated (A; older notation c.4518dupA).
Protein change: p.Arg1507fs; shifts the reading frame from arginine 1507.
Molecular consequence: frameshift variant.
Genome position (GRCh38, 1-based): chr10:71,740,851, A duplicated. VCF-style (leftmost placement, unchanged base first): chr10-71740850-C-CA. GRCh37 (hg19) VCF-style: chr10-73500607-C-CA.
Other names: short protein forms R1507fs.
Identifiers: ClinVar variation 2851154 (VCV002851154.3), dbSNP rs2494217685, ClinGen allele CA2739275737.
Genomic context (GRCh38, chr10:71,740,850, plus strand): 5'-AGCCCTGACTCCAGTTGCCCTCCTCCTTGCAGGTTGTGGCTTCTGACCGAGGCACCCCTC[C>CA]ACGGAAGAAGGACCACATCCTGCAGGTGACCATCCTGGACATCAATGACAACCCTCCAGT-3'

ClinVar aggregate classification (germline): Pathogenic (1 of 4 stars; one submission).

Submission:

Labcorp Genetics (formerly Invitae), Labcorp
Classification: Pathogenic. Last evaluated: 2023-03-31. Review status: criteria provided, single submitter. Criteria: Invitae Variant Classification Sherloc (09022015). Collection method: clinical testing. Allele origin: germline.
Comment: For these reasons, this variant has been classified as Pathogenic. This variant has not been reported in the literature in individuals affected with CDH23-related conditions. This variant is not present in population databases (gnomAD no frequency). This sequence change creates a premature translational stop signal (p.Arg1507Thrfs*16) in the CDH23 gene. It is expected to result in an absent or disrupted protein product. Loss-of-function variants in CDH23 are known to be pathogenic (PMID: 11138009, 21940737).

Literature cited by the submitters: PubMed 11138009; PubMed 21940737.